The following is an entry in ClinVar:

NM_020458.4(TTC7A):c.347C>T (p.Ser116Leu)

Gene: TTC7A (tetratricopeptide repeat domain 7A; plus strand). Cytogenetic location: 2p21.
Variant type: single nucleotide variant.
Coding change: c.347C>T on transcript NM_020458.4 (MANE Select); coding-DNA position 347, C replaced by T.
Protein change: p.Ser116Leu; replaces serine 116 with leucine.
Molecular consequence: missense variant. On other transcripts: 5 prime UTR variant (1).
Genome position (GRCh38, 1-based): chr2:46,950,525, C>T. VCF-style: chr2-46950525-C-T. GRCh37 (hg19) VCF-style: chr2-47177664-C-T.
Other names: c.347C>T, p.Ser116Leu (NM_001288951.2); c.245C>T, p.Ser82Leu (NM_001288953.2); c.-558C>T (NM_001288955.2); short protein forms S116L, S82L.
Identifiers: ClinVar variation 724831 (VCV000724831.35), dbSNP rs115234247, ClinGen allele CA1647092.

ClinVar aggregate classification (germline): Conflicting classifications of pathogenicity. Review status: criteria provided, conflicting classifications (1 of 4 stars). 4 submissions from 4 submitters: Uncertain significance (1); Likely benign (2). 1 of the submissions does not count toward it. Last evaluated 2026-02-01.

Conditions:
Multiple gastrointestinal atresias. Also called: FAMILIAL INTESTINAL POLYATRESIA SYNDROME; Multiple intestinal atresia. Identifiers: Orphanet 2300, MedGen C0220744, MONDO:0009465.
TTC7A-related disorder. Also called: TTC7A-related condition.

Allele frequency attached by ClinVar (database versions not stated): TOPMed 0.00080; gnomAD 0.00084 and 0.00079; ESP Exome Variant Server 0.00085; 1000 Genomes Project 30x 0.00094; 1000 Genomes Project 0.00100; ExAC 0.00030.
gnomAD v4.1: 290 of 1,613,884 alleles (0.018%); highest among the groups gnomAD compares: African/African-American, 0.27%; no homozygotes.

Submissions (4):

Labcorp Genetics (formerly Invitae), Labcorp
Classification: Likely benign for Multiple gastrointestinal atresias. Last evaluated: 2026-02-01. Review status: criteria provided, single submitter. Criteria: Invitae Variant Classification Sherloc (09022015). Collection method: clinical testing. Allele origin: germline.

Blueprint Genetics
Classification: Uncertain significance. Last evaluated: 2024-08-30. Review status: criteria provided, single submitter. Criteria: ACMG Guidelines, 2015. Collection method: clinical testing. Allele origin: germline.

CeGaT Center for Human Genetics Tuebingen
Classification: Likely benign. Last evaluated: 2024-01-01. Review status: criteria provided, single submitter. Criteria: CeGaT Center For Human Genetics Tuebingen Variant Classification Criteria Version 2. Collection method: clinical testing. Allele origin: germline. Affected: yes. Observed: 1 variant allele.
Comment: TTC7A: BP4

PreventionGenetics, part of Exact Sciences
Classification: Likely benign for TTC7A-related condition. Last evaluated: 2022-02-23. Review status: no assertion criteria provided. Collection method: clinical testing. Allele origin: germline. Not counted in ClinVar's aggregate classification.
Comment: This variant is classified as likely benign based on ACMG/AMP sequence variant interpretation guidelines (Richards et al. 2015 PMID: 25741868, with internal and published modifications).